The following is an entry in ClinVar:

NM_001081.4(CUBN):c.6469A>G (p.Asn2157Asp)

Gene: CUBN (cubilin; minus strand). Cytogenetic location: 10p13.
Variant type: single nucleotide variant.
Coding change: c.6469A>G on transcript NM_001081.4 (MANE Select); coding-DNA position 6469, A replaced by G.
Protein change: p.Asn2157Asp; replaces asparagine 2157 with aspartic acid.
Molecular consequence: missense variant.
Genome position (GRCh38, 1-based): chr10:16,925,418, T>C on the plus strand (A>G on the coding strand, the complement: CUBN is on the minus strand). VCF-style: chr10-16925418-T-C. GRCh37 (hg19) VCF-style: chr10-16967417-T-C.
Other names: p.Asn2157Asp; short protein forms N2157D.
Identifiers: ClinVar variation 695565 (VCV000695565.46), dbSNP rs144360241, ClinGen allele CA5423659.

ClinVar aggregate classification (germline): Benign/Likely benign. Review status: criteria provided, multiple submitters, no conflicts (2 of 4 stars). 8 submissions from 8 submitters: Benign (5); Likely benign (3). Last evaluated 2026-08-01.

Conditions:
Imerslund-Grasbeck syndrome type 1 (IGS1). Also called: Megaloblastic anemia 1, Finnish type; MEGALOBLASTIC ANEMIA, 1; Imerslund-Gräsbeck syndrome 1. Identifiers: MedGen C4016819, MONDO:0100156, OMIM 261100.
Imerslund-Grasbeck syndrome. Also called: ENTEROCYTE COBALAMIN MALABSORPTION; ENTEROCYTE INTRINSIC FACTOR RECEPTOR, DEFECT OF; PERNICIOUS ANEMIA, JUVENILE, DUE TO SELECTIVE INTESTINAL MALABSORPTION OF VITAMIN B12, WITH PROTEINURIA; Megaloblastic anemia due to inborn errors of metabolism; Imerslund-Gräsbeck syndrome. Identifiers: Orphanet 35858, MedGen C4551825, MONDO:0009853.

Allele frequency attached by ClinVar (database versions not stated): 1000 Genomes Project 0.00319; 1000 Genomes Project 30x 0.00328; TOPMed 0.00430; gnomAD exomes 0.00518 and 0.00562; gnomAD 0.00528 and 0.00541; ESP Exome Variant Server 0.00538; ExAC 0.00563.
gnomAD v4.1: 8,370 of 1,613,808 alleles (0.52%); highest among the groups gnomAD compares: Middle Eastern, 2%; 31 homozygotes.

Submissions (8):

CeGaT Center for Human Genetics Tuebingen
Classification: Likely benign. Last evaluated: 2026-08-01. Review status: criteria provided, single submitter. Criteria: CeGaT Center For Human Genetics Tuebingen Variant Classification Criteria Version 2. Collection method: clinical testing. Allele origin: germline. Affected: yes. Observed: 7 variant alleles.
Comment: CUBN: BP4, BS2

Labcorp Genetics (formerly Invitae), Labcorp
Classification: Benign for Imerslund-Grasbeck syndrome. Last evaluated: 2026-01-14. Review status: criteria provided, single submitter. Criteria: Invitae Variant Classification Sherloc (09022015). Collection method: clinical testing. Allele origin: germline.

ARUP Laboratories, Molecular Genetics and Genomics, ARUP Laboratories
Classification: Benign. Last evaluated: 2025-03-05. Review status: criteria provided, single submitter. Criteria: ARUP Molecular Germline Variant Investigation Process 2024. Collection method: clinical testing. Allele origin: germline.

Mayo Clinic Laboratories, Mayo Clinic
Classification: Benign. Last evaluated: 2023-08-31. Review status: criteria provided, single submitter. Criteria: ACMG Guidelines, 2015. Collection method: clinical testing. Allele origin: germline. Observed: 4 variant alleles.
Comment: BS1, BS2

Laboratorio de Genetica e Diagnostico Molecular, Hospital Israelita Albert Einstein
Classification: Benign. Last evaluated: 2022-02-03. Review status: criteria provided, single submitter. Criteria: ACMG Guidelines, 2015. Collection method: clinical testing. Allele origin: germline. Affected: yes.
Comment: ACMG classification criteria: BS1, BS2, BP4

GeneDx
Classification: Benign. Last evaluated: 2021-03-12. Review status: criteria provided, single submitter. Criteria: GeneDx Variant Classification Process June 2021. Collection method: clinical testing. Allele origin: germline. Affected: yes.
Comment: This variant is associated with the following publications: (PMID: 30220432, 31462756)

Illumina Laboratory Services, Illumina
Classification: Likely benign for Imerslund-Grasbeck syndrome type 1. Last evaluated: 2017-04-27. Review status: criteria provided, single submitter. Criteria: ICSL Variant Classification Criteria 13 December 2019. Collection method: clinical testing. Allele origin: germline.
Comment: This variant was observed as part of a predisposition screen in an ostensibly healthy population. A literature search was performed for the gene, cDNA change, and amino acid change (where applicable). Publications were found based on this search. The evidence from the literature, in combination with allele frequency data from public databases where available, was sufficient to determine this variant is unlikely to cause disease. Therefore, this variant is classified as likely benign.

Breakthrough Genomics
Classification: Likely benign. Review status: criteria provided, single submitter. Criteria: ACMG Guidelines, 2015. Collection method: not provided. Allele origin: germline. Inheritance: Autosomal recessive inheritance. Affected: yes.

Literature cited by the submitters: PubMed 30220432 (cited by Mayo Clinic Laboratories, Mayo Clinic); PubMed 27197912 (cited by Illumina Laboratory Services, Illumina).